The following is an entry in ClinVar:

NM_015466.4(PTPN23):c.3972C>T (p.Arg1324=)

Gene: PTPN23 (protein tyrosine phosphatase non-receptor type 23; plus strand). Cytogenetic location: 3p21.31.
Variant type: single nucleotide variant.
Coding change: c.3972C>T on transcript NM_015466.4 (MANE Select); coding-DNA position 3972, C replaced by T.
Protein change: p.Arg1324=; no amino-acid change (arginine 1324 retained).
Molecular consequence: synonymous variant.
Genome position (GRCh38, 1-based): chr3:47,411,866, C>T. VCF-style: chr3-47411866-C-T. GRCh37 (hg19) VCF-style: chr3-47453356-C-T.
Other names: c.3594C>T, p.Arg1198= (NM_001304482.2).
Identifiers: ClinVar variation 2653759 (VCV002653759.24), dbSNP rs1247839929, ClinGen allele CA433606109.

ClinVar aggregate classification (germline): Likely benign (1 of 4 stars; one submission).

Submission:

CeGaT Center for Human Genetics Tuebingen
Classification: Likely benign. Last evaluated: 2023-03-01. Review status: criteria provided, single submitter. Criteria: CeGaT Center For Human Genetics Tuebingen Variant Classification Criteria Version 2. Collection method: clinical testing. Allele origin: germline. Affected: yes. Observed: 1 variant allele.
Comment: PTPN23: PM2:Supporting, BP4, BP7